The following is an entry in ClinVar:

ClinVar aggregate classification (germline): Likely benign. Review status: criteria provided, multiple submitters, no conflicts (2 of 4 stars). 3 submissions from 3 submitters: Likely benign (2). 1 of the submissions does not count toward it. Last evaluated 2025-07-30.

Conditions:
IFT27-related disorder. Also called: IFT27-related condition.

Allele frequency attached by ClinVar (database versions not stated): ExAC 0.00001; gnomAD exomes 0.00001; gnomAD 0.00002; TOPMed 0.00002.
gnomAD v4.1: 14 of 1,611,366 alleles (0.00087%); highest among the groups gnomAD compares: Middle Eastern, 0.049%; no homozygotes.

Submissions (3):

Labcorp Genetics (formerly Invitae), Labcorp
Classification: Likely benign. Last evaluated: 2025-07-30. Review status: criteria provided, single submitter. Criteria: Invitae Variant Classification Sherloc (09022015). Collection method: clinical testing. Allele origin: germline.

Blueprint Genetics
Classification: Likely benign. Last evaluated: 2021-12-10. Review status: criteria provided, single submitter. Criteria: ACMG Guidelines, 2015. Collection method: clinical testing. Allele origin: germline.

PreventionGenetics, part of Exact Sciences
Classification: Likely benign for IFT27-related condition. Last evaluated: 2021-08-23. Review status: no assertion criteria provided. Collection method: clinical testing. Allele origin: germline. Not counted in ClinVar's aggregate classification.
Comment: This variant is classified as likely benign based on ACMG/AMP sequence variant interpretation guidelines (Richards et al. 2015 PMID: 25741868, with internal and published modifications).

NM_001177701.3(IFT27):c.114+8G>A

Gene: IFT27 (intraflagellar transport 27; minus strand). Cytogenetic location: 22q12.3.
Variant type: single nucleotide variant.
Coding change: c.114+8G>A on transcript NM_001177701.3 (MANE Select); 8 bases into the intron after coding-DNA position 114, G replaced by A.
Molecular consequence: intron variant.
Genome position (GRCh38, 1-based): chr22:36,767,775, C>T on the plus strand (G>A on the coding strand, the complement: IFT27 is on the minus strand). VCF-style: chr22-36767775-C-T. GRCh37 (hg19) VCF-style: chr22-37163819-C-T.
Other names: c.114+8G>A (NM_001363003.2); c.111+8G>A (NM_006860.5, NM_006860.4).
Identifiers: ClinVar variation 1084002 (VCV001084002.12), dbSNP rs759640345, ClinGen allele CA10212533.